The following is an entry in ClinVar:

ClinVar aggregate classification (germline): Pathogenic/Likely pathogenic. Review status: criteria provided, multiple submitters, no conflicts (2 of 4 stars). 2 submissions from 2 submitters: Pathogenic (1); Likely pathogenic (1). Last evaluated 2025-04-13.

Conditions:
Torsion dystonia 6 (DYT6). Also called: DYT-THAP1. Identifiers: Orphanet 98806, MedGen C1414216, MONDO:0011264, OMIM 602629.

Submissions (2):

Labcorp Genetics (formerly Invitae), Labcorp
Classification: Likely pathogenic for Torsion dystonia 6. Last evaluated: 2025-04-13. Review status: criteria provided, single submitter. Criteria: Invitae Variant Classification Sherloc (09022015). Collection method: clinical testing. Allele origin: germline.
Comment: This sequence change replaces proline, which is neutral and non-polar, with leucine, which is neutral and non-polar, at codon 26 of the THAP1 protein (p.Pro26Leu). This variant is not present in population databases (gnomAD no frequency). This missense change has been observed in individuals with dystonia (PMID: 21847143; internal data). ClinVar contains an entry for this variant (Variation ID: 846905). An algorithm developed to predict the effect of missense changes on protein structure and function (PolyPhen-2) suggests that this variant is likely to be disruptive. Experimental studies have shown that this missense change affects THAP1 function (PMID: 21847143). This variant disrupts the p.Pro26 amino acid residue in THAP1. Other variant(s) that disrupt this residue have been determined to be pathogenic (PMID: 20211909, 21782490, 21839475, 22844099). This suggests that this residue is clinically significant, and that variants that disrupt this residue are likely to be disease-causing. In summary, the currently available evidence indicates that the variant is pathogenic, but additional data are needed to prove that conclusively. Therefore, this variant has been classified as Likely Pathogenic.

Genetic Services Laboratory, University of Chicago
Classification: Pathogenic. Last evaluated: 2017-09-13. Review status: criteria provided, single submitter. Criteria: ACMG Guidelines, 2015. Collection method: clinical testing. Allele origin: germline. Affected: yes.

Literature cited by the submitters: PubMed 21847143 (cited by Labcorp Genetics (formerly Invitae), Labcorp); PubMed 20211909 (cited by Labcorp Genetics (formerly Invitae), Labcorp); PubMed 21782490 (cited by Labcorp Genetics (formerly Invitae), Labcorp); PubMed 21839475 (cited by Labcorp Genetics (formerly Invitae), Labcorp); PubMed 22844099 (cited by Labcorp Genetics (formerly Invitae), Labcorp).

NM_018105.3(THAP1):c.77C>T (p.Pro26Leu)

Gene: THAP1 (THAP domain containing 1; minus strand). Cytogenetic location: 8p11.21.
Variant type: single nucleotide variant.
Coding change: c.77C>T on transcript NM_018105.3 (MANE Select); coding-DNA position 77, C replaced by T.
Protein change: p.Pro26Leu; replaces proline 26 with leucine.
Molecular consequence: missense variant. On other transcripts: intron variant (1).
Genome position (GRCh38, 1-based): chr8:42,839,376, G>A on the plus strand (C>T on the coding strand, the complement: THAP1 is on the minus strand). VCF-style: chr8-42839376-G-A. GRCh37 (hg19) VCF-style: chr8-42694519-G-A.
Other names: c.72-1040C>T (NM_199003.2); short protein forms P26L.
Identifiers: ClinVar variation 846905 (VCV000846905.10), dbSNP rs1802674870, ClinGen allele CA371108300.
Genomic context (GRCh38, chr8:42,839,376, plus strand): 5'-TTAAAGTTTTTTCTTCTGACAGCTGCCTCCCATTCTTTACAAAGACTGGGTCGAGTAAGA[G>A]GAAACCTAAGAAGAAGGCATAATTCAATTATCTGTCCTGATTTTTTAAATAAATAAAGGC-3'
Protein context (NP_060575.1, residues 16-36): KDKPVSFHKF[Pro26Leu]LTRPSLCKEW